The following is an entry in ClinVar:

ClinVar aggregate classification (germline): Uncertain significance (1 of 4 stars; one submission).

Conditions:
Neurofibromatosis, type 1 (NF1). Also called: Peripheral type neurofibromatosis; Neurofibromatosis, type I; VON RECKLINGHAUSEN DISEASE; NEUROFIBROMATOSIS, TYPE I, SOMATIC. Identifiers: Orphanet 636, MedGen C0027831, MONDO:0018975, OMIM 162200. Disease mechanism: loss of function.

Submission:

Labcorp Genetics (formerly Invitae), Labcorp
Classification: Uncertain significance for Neurofibromatosis, type 1. Last evaluated: 2024-06-25. Review status: criteria provided, single submitter. Criteria: Invitae Variant Classification Sherloc (09022015). Collection method: clinical testing. Allele origin: germline.
Comment: This sequence change replaces aspartic acid, which is acidic and polar, with valine, which is neutral and non-polar, at codon 2305 of the NF1 protein (p.Asp2305Val). This variant is not present in population databases (gnomAD no frequency). This variant has not been reported in the literature in individuals affected with NF1-related conditions. ClinVar contains an entry for this variant (Variation ID: 838630). Advanced modeling of protein sequence and biophysical properties (such as structural, functional, and spatial information, amino acid conservation, physicochemical variation, residue mobility, and thermodynamic stability) performed at Invitae indicates that this missense variant is expected to disrupt NF1 protein function with a positive predictive value of 95%. In summary, the available evidence is currently insufficient to determine the role of this variant in disease. Therefore, it has been classified as a Variant of Uncertain Significance.

NM_001042492.3(NF1):c.6977A>T (p.Asp2326Val)

Gene: NF1 (neurofibromin 1; plus strand). Cytogenetic location: 17q11.2.
Variant type: single nucleotide variant.
Coding change: c.6977A>T on transcript NM_001042492.3 (MANE Select); coding-DNA position 6977, A replaced by T.
Protein change: p.Asp2326Val; replaces aspartic acid 2326 with valine.
Molecular consequence: missense variant.
Genome position (GRCh38, 1-based): chr17:31,340,560, A>T. VCF-style: chr17-31340560-A-T. GRCh37 (hg19) VCF-style: chr17-29667578-A-T.
Other names: c.6914A>T, p.Asp2305Val (NM_000267.4); short protein forms D2305V, D2326V.
Identifiers: ClinVar variation 838630 (VCV000838630.6), dbSNP rs2069791654, ClinGen allele CA399014956.